The following is an entry in ClinVar:

NM_001330.5(CTF1):c.451C>T (p.Arg151Trp)

Genes: CTF1 (cardiotrophin 1; plus strand), LOC130058878 (ATAC-STARR-seq lymphoblastoid silent region 7400; plus strand). Cytogenetic location: 16p11.2.
Variant type: single nucleotide variant.
Coding change: c.451C>T on transcript NM_001330.5 (MANE Select); coding-DNA position 451, C replaced by T.
Protein change: p.Arg151Trp; replaces arginine 151 with tryptophan.
Molecular consequence: missense variant. On other transcripts: non-coding transcript variant (1).
Genome position (GRCh38, 1-based): chr16:30,902,384, C>T. VCF-style: chr16-30902384-C-T. GRCh37 (hg19) VCF-style: chr16-30913705-C-T.
Other names: c.448C>T, p.Arg150Trp (NM_001142544.3); short protein forms R150W, R151W.
Identifiers: ClinVar variation 4787981 (VCV004787981.1).

ClinVar aggregate classification (germline): Uncertain significance (1 of 4 stars; one submission).

Submission:

Labcorp Genetics (formerly Invitae), Labcorp
Classification: Uncertain significance. Last evaluated: 2025-08-24. Review status: criteria provided, single submitter. Criteria: Invitae Variant Classification Sherloc (09022015). Collection method: clinical testing. Allele origin: germline.
Comment: This sequence change replaces arginine, which is basic and polar, with tryptophan, which is neutral and slightly polar, at codon 151 of the CTF1 protein (p.Arg151Trp). The frequency data for this variant in the population databases is considered unreliable, as metrics indicate insufficient coverage at this position in the gnomAD database. This variant has not been reported in the literature in individuals affected with CTF1-related conditions. An algorithm developed to predict the effect of missense changes on protein structure and function (PolyPhen-2) suggests that this variant is likely to be tolerated. In summary, the available evidence is currently insufficient to determine the role of this variant in disease. Therefore, it has been classified as a Variant of Uncertain Significance.